The following is an entry in ClinVar:

NM_015001.3(SPEN):c.9223C>T (p.Gln3075Ter)

Gene: SPEN (spen family transcriptional repressor; plus strand). Cytogenetic location: 1p36.13.
Variant type: single nucleotide variant.
Coding change: c.9223C>T on transcript NM_015001.3 (MANE Select); coding-DNA position 9223, C replaced by T.
Protein change: p.Gln3075Ter; replaces glutamine 3075 with a stop codon.
Molecular consequence: nonsense.
Genome position (GRCh38, 1-based): chr1:15,935,463, C>T. VCF-style: chr1-15935463-C-T. GRCh37 (hg19) VCF-style: chr1-16261958-C-T.
Other names: short protein forms Q3075*.
Identifiers: ClinVar variation 4279929 (VCV004279929.1).
Genomic context (GRCh38, chr1:15,935,463, plus strand): 5'-ACAGTCATGCTGGCTGCAGGCATCCCAGTGCCCCAGTTCATCTCCAGCATCCACCCAGAG[C>T]AGTCTGTCATCATGCCACCCCACAGCATCACCCAGACTGTGTCCCTGAGCCACCTCTCCC-3'

ClinVar aggregate classification (germline): Likely pathogenic (1 of 4 stars; one submission).

Conditions:
Radio-Tartaglia syndrome. Identifiers: Orphanet 662234, MedGen C5543339, MONDO:0859143, OMIM 619312.

Submission:

Clinical Genomics Laboratory, Washington University in St. Louis
Classification: Likely pathogenic for Radio-Tartaglia syndrome. Last evaluated: 2025-02-11. Review status: criteria provided, single submitter. Criteria: ACMG Guidelines, 2015. Collection method: clinical testing. Allele origin: germline. Affected: yes.
Comment: The SPEN c.9223C>T (p.Gln3075*) variant, to our knowledge, has not been reported in the medical literature nor in the ClinVar database. This variant is absent from the general population (gnomAD v.2.1.1), indicating it is not a common variant. This variant causes a premature stop, which is predicted to lead to nonsense mediated decay. Additional truncating variants surrounding this variant are also observed in affected individuals with Radio-Tartaglia syndrome (Radio FC et al., PMID: 33596411). Based on available information and the ACMG/AMP guidelines for variant interpretation (Richards S et al., PMID: 25741868), this variant is classified as likely pathogenic.